The following is an entry in ClinVar:

ClinVar aggregate classification (germline): Conflicting classifications of pathogenicity. Review status: criteria provided, conflicting classifications (1 of 4 stars). 4 submissions from 4 submitters: Uncertain significance (2); Likely benign (1). 1 of the submissions does not count toward it. Last evaluated 2025-08-22.

Conditions:
Cone-rod dystrophy 15 (CORD15). Identifiers: MedGen C3150912, MONDO:0013348, OMIM 613660.
CDHR1-related disorder. Also called: CDHR1-related condition.
Inborn genetic diseases. Identifiers: MedGen C0950123, MeSH D030342.

Allele frequency attached by ClinVar (database versions not stated): TOPMed 0.00002; gnomAD 0.00003; 1000 Genomes Project 30x 0.00031.
gnomAD v4.1: 32 of 1,614,142 alleles (0.002%); highest among the groups gnomAD compares: East Asian, 0.0067%; no homozygotes.

Submissions (4):

Ambry Genetics
Classification: Likely benign for Inborn genetic diseases. Last evaluated: 2025-08-22. Review status: criteria provided, single submitter. Criteria: Ambry Variant Classification Scheme 2023. Collection method: clinical testing. Allele origin: germline.

Labcorp Genetics (formerly Invitae), Labcorp
Classification: Uncertain significance. Last evaluated: 2022-01-06. Review status: criteria provided, single submitter. Criteria: Invitae Variant Classification Sherloc (09022015). Collection method: clinical testing. Allele origin: germline.
Comment: In summary, the available evidence is currently insufficient to determine the role of this variant in disease. Therefore, it has been classified as a Variant of Uncertain Significance. This sequence change replaces alanine, which is neutral and non-polar, with valine, which is neutral and non-polar, at codon 328 of the CDHR1 protein (p.Ala328Val). This variant is present in population databases (rs749657135, gnomAD 0.02%). This variant has not been reported in the literature in individuals affected with CDHR1-related conditions. ClinVar contains an entry for this variant (Variation ID: 301231). Advanced modeling of protein sequence and biophysical properties (such as structural, functional, and spatial information, amino acid conservation, physicochemical variation, residue mobility, and thermodynamic stability) performed at Invitae indicates that this missense variant is not expected to disrupt CDHR1 protein function.

Illumina Laboratory Services, Illumina
Classification: Uncertain significance for Cone-rod dystrophy 15. Last evaluated: 2018-01-13. Review status: criteria provided, single submitter. Criteria: ICSL Variant Classification Criteria 13 December 2019. Collection method: clinical testing. Allele origin: germline.

PreventionGenetics, part of Exact Sciences
Classification: Uncertain significance for CDHR1-related condition. Last evaluated: 2024-09-17. Review status: no assertion criteria provided. Collection method: clinical testing. Allele origin: germline. Not counted in ClinVar's aggregate classification.
Comment: The CDHR1 c.983C>T variant is predicted to result in the amino acid substitution p.Ala328Val. To our knowledge, this variant has not been reported in the literature. This variant is reported in 0.022% of alleles in individuals of East Asian descent in gnomAD. At this time, the clinical significance of this variant is uncertain due to the absence of conclusive functional and genetic evidence.

NM_033100.4(CDHR1):c.983C>T (p.Ala328Val)

Gene: CDHR1 (cadherin related family member 1; plus strand). Cytogenetic location: 10q23.1.
Variant type: single nucleotide variant.
Coding change: c.983C>T on transcript NM_033100.4 (MANE Select); coding-DNA position 983, C replaced by T.
Protein change: p.Ala328Val; replaces alanine 328 with valine.
Molecular consequence: missense variant.
Genome position (GRCh38, 1-based): chr10:84,208,193, C>T. VCF-style: chr10-84208193-C-T. GRCh37 (hg19) VCF-style: chr10-85967949-C-T.
Other names: c.983C>T (NM_033100.2); c.983C>T, p.Ala328Val (NM_001171971.3); short protein forms A328V.
Identifiers: ClinVar variation 301231 (VCV000301231.13), dbSNP rs749657135, ClinGen allele CA5579805.